The following is an entry in ClinVar:

ClinVar aggregate classification (germline): Pathogenic (1 of 4 stars; one submission).

Conditions:
Aicardi-Goutieres syndrome 2. Identifiers: Orphanet 51, MedGen C3489724, MONDO:0012429, OMIM 610181.

Submission:

Labcorp Genetics (formerly Invitae), Labcorp
Classification: Pathogenic for Aicardi-Goutieres syndrome 2. Last evaluated: 2023-08-04. Review status: criteria provided, single submitter. Criteria: Invitae Variant Classification Sherloc (09022015). Collection method: clinical testing. Allele origin: unknown.
Comment: This variant is a gross deletion of the genomic region encompassing exon(s) 1-10 of the RNASEH2B gene, which includes the initiator codon. This deletion extends beyond the assayed region for this gene and therefore may encompass additional genes. It is expected to result in an absent or disrupted protein product. Loss-of-function variants in RNASEH2B are known to be pathogenic (PMID: 17846997). This variant has not been reported in the literature in individuals affected with RNASEH2B-related conditions. For these reasons, this variant has been classified as Pathogenic.

Literature cited by the submitters: PubMed 17846997.

NC_000013.10:g.(?_51484213)_(51528141_?)del

Gene: RNASEH2B (ribonuclease H2 subunit B; plus strand). Cytogenetic location: 13q14.3.
Variant type: Deletion.
Identifiers: ClinVar variation 3244197 (VCV003244197.1).